The following is an entry in ClinVar:

NM_001366900.1(TTC21A):c.3450+2del

Gene: TTC21A (tetratricopeptide repeat domain 21A; plus strand). Cytogenetic location: 3p22.2.
Variant type: Deletion.
Coding change: c.3450+2del on transcript NM_001366900.1 (MANE Select); the canonical splice donor site of the intron after coding-DNA position 3450, one base deleted (T; older notation c.3450+2delT).
Molecular consequence: splice donor variant.
Genome position (GRCh38, 1-based): chr3:39,137,389, T deleted. VCF-style (leftmost placement, unchanged base first): chr3-39137388-GT-G. GRCh37 (hg19) VCF-style: chr3-39178879-GT-G.
Other names: c.3474+2del (NM_001366899.1); c.3471+2del (NM_145755.3); c.3327+2del (NM_001105513.3).
Identifiers: ClinVar variation 3239652 (VCV003239652.2).

ClinVar aggregate classification (germline): Pathogenic (1 of 4 stars; one submission).

Conditions:
Oligospermia. Identifiers: MedGen C0028960, MeSH D009845, MONDO:0001913.
Reduced sperm motility. Also called: asthenozoospermia. Identifiers: MedGen C4082176, HP:0012207.
Abnormal sperm morphology. Also called: Teratozoospermia. Identifiers: MedGen C0403824, HP:0012864.

Submission:

Huzhibin Lab, Nanjing Medical University
Classification: Pathogenic for Oligozoospermia; Reduced sperm motility; Abnormal sperm morphology. Review status: criteria provided, single submitter. Criteria: ACMG Guidelines, 2015. Collection method: research. Allele origin: germline. Inheritance: Autosomal recessive inheritance. Affected: yes. Observed: 1 variant allele, 1 homozygote.
Comment: Criteria:PVS1,PS4,PM2 This gene is a known causative gene for teratozoospermia, and male knockout mice of this gene have been shown to have a teratospermic phenotype and be infertile in males. Here, we find a rare homozygous variant in this gene that was not found in the control population, and this variant cannot be found in the gnomad and ExAC databases.

Literature cited by the submitters: PubMed 30929735.